The following is an entry in ClinVar:

NM_000743.5(CHRNA3):c.907_908del (p.Leu303fs)

Gene: CHRNA3 (cholinergic receptor nicotinic alpha 3 subunit; minus strand). Cytogenetic location: 15q25.1.
Variant type: Deletion.
Coding change: c.907_908del on transcript NM_000743.5 (MANE Select); coding-DNA positions 907 to 908, 2 bases deleted (CT; older notation c.907_908delCT).
Protein change: p.Leu303fs; shifts the reading frame from leucine 303.
Molecular consequence: frameshift variant. On other transcripts: non-coding transcript variant (1).
Genome position (GRCh38, 1-based): chr15:78,601,734-78,601,735, AG deleted on the plus strand (CT on the coding strand, the reverse complement: CHRNA3 is on the minus strand). VCF-style (leftmost placement, unchanged base first): chr15-78601733-CAG-C. GRCh37 (hg19) VCF-style: chr15-78894075-CAG-C.
Other names: c.907_908del, p.Leu303fs (NM_001166694.2); c.907_908delCT (NM_000743.4); short protein forms L303fs.
Identifiers: ClinVar variation 422654 (VCV000422654.15), dbSNP rs538193392, ClinGen allele CA7684383.

ClinVar aggregate classification (germline): Conflicting classifications of pathogenicity. Review status: criteria provided, conflicting classifications (1 of 4 stars). 7 submissions from 7 submitters: Pathogenic (3); Likely pathogenic (3); Uncertain significance (1). Last evaluated 2026-09-15.

Conditions:
Urinary bladder, atony of. Also called: Bladder Dysfunction with Impaired Pupillary Reflex and Secondary Congenital Anomalies of the Kidney and Urinary Tract. Identifiers: MedGen C5231389, MONDO:0008630, OMIM 191800.
SMOKING AS A QUANTITATIVE TRAIT LOCUS 3 (SQTL3). Identifiers: MedGen C3150168, OMIM 612052.
CHRNA3-related disorder. Also called: CHRNA3-related condition.

Allele frequency attached by ClinVar (database versions not stated): gnomAD exomes 0.00021 and 0.00025; gnomAD 0.00024 and 0.00025; TOPMed 0.00024; ExAC 0.00025; ESP Exome Variant Server 0.00040; 1000 Genomes Project 0.00080.

Submissions (7):

Institute of Medical Genetics and Applied Genomics, University Hospital Tübingen
Classification: Likely pathogenic for Urinary bladder, atony of. Last evaluated: 2026-09-15. Review status: criteria provided, single submitter. Criteria: ACMG Guidelines, 2015. Collection method: clinical testing. Allele origin: germline. Inheritance: Autosomal recessive inheritance. Affected: yes.

PreventionGenetics, part of Exact Sciences
Classification: Likely pathogenic for CHRNA3-related condition. Last evaluated: 2026-07-06. Review status: criteria provided, single submitter. Criteria: ACMG Guidelines, 2015. Collection method: clinical testing. Allele origin: germline.
Comment: The CHRNA3 c.907_908delCT variant is predicted to result in a frameshift and premature protein termination (p.Leu303Aspfs*115). This variant has been reported in the compound heterozygous or homozygous states in three individuals from two unrelated families with autonomic ganglionopathy (Shibao et al 2021. PubMed ID: 33947782). This variant is reported in 0.029% of alleles in individuals of European (Non-Finnish) descent in gnomAD. Frameshift variants in CHRNA3 are expected to be pathogenic. This variant is interpreted as likely pathogenic.

Labcorp Genetics (formerly Invitae), Labcorp
Classification: Pathogenic. Last evaluated: 2025-11-05. Review status: criteria provided, single submitter. Criteria: Invitae Variant Classification Sherloc (09022015). Collection method: clinical testing. Allele origin: germline.
Comment: This sequence change creates a premature translational stop signal (p.Leu303Aspfs*115) in the CHRNA3 gene. It is expected to result in an absent or disrupted protein product. Loss-of-function variants in CHRNA3 are known to be pathogenic (PMID: 31708116). This variant is present in population databases (rs538193392, gnomAD 0.03%). This premature translational stop signal has been observed in individual(s) with CHRNA3-related conditions (PMID: 33947782). ClinVar contains an entry for this variant (Variation ID: 422654). For these reasons, this variant has been classified as Pathogenic.

GeneDx
Classification: Pathogenic. Last evaluated: 2025-05-05. Review status: criteria provided, single submitter. Criteria: GeneDx Variant Classification Process June 2021. Collection method: clinical testing. Allele origin: germline. Affected: yes.
Comment: Frameshift variant predicted to result in protein truncation or nonsense mediated decay in a gene for which loss of function is a known mechanism of disease; This variant is associated with the following publications: (PMID: 37171956, 33947782, 37161764, 38192228)

Fulgent Genetics
Classification: Likely pathogenic for Urinary bladder, atony of; SMOKING AS A QUANTITATIVE TRAIT LOCUS 3. Last evaluated: 2024-03-21. Review status: criteria provided, single submitter. Criteria: ACMG Guidelines, 2015. Collection method: clinical testing. Allele origin: germline.

Undiagnosed Diseases Network, NIH
Classification: Uncertain significance for CHRNA3-related condition. Last evaluated: 2019-05-17. Review status: criteria provided, single submitter. Criteria: ACMG Guidelines, 2015. Collection method: clinical testing. Allele origin: maternal. Inheritance: Autosomal recessive inheritance. Affected: yes. Observed: 1 variant allele, 1 compound heterozygote.

Juno Genomics, Hangzhou Juno Genomics, Inc
Classification: Pathogenic for SMOKING AS A QUANTITATIVE TRAIT LOCUS 3; Urinary bladder, atony of. Review status: criteria provided, single submitter. Criteria: ACMG Guidelines, 2015. Collection method: clinical testing. Allele origin: germline.
Comment: Absent from controls (or at extremely low frequency if recessive) in Genome Aggregation Database.;Null variant in a gene where loss of function (LOF) is a known mechanism of disease.;For recessive disorders, detected in trans with a pathogenic variant.;Patient's phenotype or family history is highly specific for a disease with a single genetic etiology.;Co-segregation with disease in multiple affected family members.

Literature cited by the submitters: PubMed 31708116 (cited by Labcorp Genetics (formerly Invitae), Labcorp); PubMed 33947782 (cited by Labcorp Genetics (formerly Invitae), Labcorp).